The following is an entry in ClinVar:

ClinVar aggregate classification (germline): Uncertain significance. Review status: criteria provided, multiple submitters, no conflicts (2 of 4 stars). 2 submissions from 2 submitters: Uncertain significance (2). Last evaluated 2022-07-23.

Conditions:
Inborn genetic diseases. Identifiers: MedGen C0950123, MeSH D030342.
Chédiak-Higashi syndrome (CHS). Also called: Chediak-Higashi Syndrome. Identifiers: Orphanet 167, MedGen C0007965, MONDO:0008963, OMIM 214500.

Allele frequency attached by ClinVar (database versions not stated): gnomAD exomes below 0.00001.
gnomAD v4.1: 2 of 1,614,090 alleles (0.00012%); highest among the groups gnomAD compares: Admixed American, 0.0033%; no homozygotes.

Submissions (2):

Labcorp Genetics (formerly Invitae), Labcorp
Classification: Uncertain significance for Chédiak-Higashi syndrome. Last evaluated: 2022-07-23. Review status: criteria provided, single submitter. Criteria: Invitae Variant Classification Sherloc (09022015). Collection method: clinical testing. Allele origin: germline.
Comment: This sequence change replaces glycine, which is neutral and non-polar, with aspartic acid, which is acidic and polar, at codon 576 of the LYST protein (p.Gly576Asp). This variant is not present in population databases (gnomAD no frequency). This variant has not been reported in the literature in individuals affected with LYST-related conditions. Algorithms developed to predict the effect of missense changes on protein structure and function are either unavailable or do not agree on the potential impact of this missense change (SIFT: "Tolerated"; PolyPhen-2: "Probably Damaging"; Align-GVGD: "Class C0"). In summary, the available evidence is currently insufficient to determine the role of this variant in disease. Therefore, it has been classified as a Variant of Uncertain Significance.

Ambry Genetics
Classification: Uncertain significance for Inborn genetic diseases. Last evaluated: 2021-06-22. Review status: criteria provided, single submitter. Criteria: Ambry Variant Classification Scheme 2023. Collection method: clinical testing. Allele origin: germline.

NM_000081.4(LYST):c.1727G>A (p.Gly576Asp)

Gene: LYST (lysosomal trafficking regulator; minus strand). Cytogenetic location: 1q42.3.
Variant type: single nucleotide variant.
Coding change: c.1727G>A on transcript NM_000081.4 (MANE Select); coding-DNA position 1727, G replaced by A.
Protein change: p.Gly576Asp; replaces glycine 576 with aspartic acid.
Molecular consequence: missense variant.
Genome position (GRCh38, 1-based): chr1:235,809,091, C>T on the plus strand (G>A on the coding strand, the complement: LYST is on the minus strand). VCF-style: chr1-235809091-C-T. GRCh37 (hg19) VCF-style: chr1-235972391-C-T.
Other names: c.1727G>A, p.Gly576Asp (NM_001301365.1); short protein forms G576D.
Identifiers: ClinVar variation 2044452 (VCV002044452.2), dbSNP rs1240621396, ClinGen allele CA344961776.